The following is an entry in ClinVar:

ClinVar aggregate classification (germline): Uncertain significance (1 of 4 stars; one submission).

Submission:

Labcorp Genetics (formerly Invitae), Labcorp
Classification: Uncertain significance. Last evaluated: 2025-03-05. Review status: criteria provided, single submitter. Criteria: Invitae Variant Classification Sherloc (09022015). Collection method: clinical testing. Allele origin: germline.
Comment: This variant occurs in a non-coding region of the EYS gene. It does not change the encoded amino acid sequence of the EYS protein. This variant is not present in population databases (gnomAD no frequency). This variant has not been reported in the literature in individuals affected with EYS-related conditions. In summary, the available evidence is currently insufficient to determine the role of this variant in disease. Therefore, it has been classified as a Variant of Uncertain Significance.

NM_001142800.2(EYS):c.-195A>G

Gene: EYS (EGF-like photoreceptor maintenance factor; minus strand). Cytogenetic location: 6q12.
Variant type: single nucleotide variant.
Coding change: c.-195A>G on transcript NM_001142800.2 (MANE Select); 195 bases upstream of the start codon, A replaced by G.
Molecular consequence: 5 prime UTR variant.
Genome position (GRCh38, 1-based): chr6:65,495,605, T>C on the plus strand (A>G on the coding strand, the complement: EYS is on the minus strand). VCF-style: chr6-65495605-T-C. GRCh37 (hg19) VCF-style: chr6-66205498-T-C.
Other names: c.-195A>G (NM_001142801.2, NM_001292009.2, NM_198283.2).
Identifiers: ClinVar variation 4753794 (VCV004753794.1).